The following is an entry in ClinVar:

NM_000384.3(APOB):c.7633A>C (p.Thr2545Pro)

Gene: APOB (apolipoprotein B; minus strand). Cytogenetic location: 2p24.1.
Variant type: single nucleotide variant.
Coding change: c.7633A>C on transcript NM_000384.3 (MANE Select); coding-DNA position 7633, A replaced by C.
Protein change: p.Thr2545Pro; replaces threonine 2545 with proline.
Molecular consequence: missense variant.
Genome position (GRCh38, 1-based): chr2:21,009,235, T>G on the plus strand (A>C on the coding strand, the complement: APOB is on the minus strand). VCF-style: chr2-21009235-T-G. GRCh37 (hg19) VCF-style: chr2-21232107-T-G.
Other names: short protein forms T2545P.
Identifiers: ClinVar variation 4088079 (VCV004088079.1).

ClinVar aggregate classification (germline): Uncertain significance (1 of 4 stars; one submission).

Submission:

GeneDx
Classification: Uncertain significance. Last evaluated: 2025-03-28. Review status: criteria provided, single submitter. Criteria: GeneDx Variant Classification Process June 2021. Collection method: clinical testing. Allele origin: germline. Affected: yes.
Comment: Not observed at significant frequency in large population cohorts (gnomAD); In silico analysis supports that this missense variant has a deleterious effect on protein structure/function; Has not been previously published as pathogenic or benign to our knowledge; Also known as p.(2518P)